The following is an entry in ClinVar:

NM_000222.3(KIT):c.2118T>G (p.Leu706=)

Gene: KIT (KIT proto-oncogene, receptor tyrosine kinase; plus strand). Cytogenetic location: 4q12.
Variant type: single nucleotide variant.
Coding change: c.2118T>G on transcript NM_000222.3 (MANE Select); coding-DNA position 2118, T replaced by G.
Protein change: p.Leu706=; no amino-acid change (leucine 706 retained).
Molecular consequence: synonymous variant.
Genome position (GRCh38, 1-based): chr4:54,729,462, T>G. VCF-style: chr4-54729462-T-G. GRCh37 (hg19) VCF-style: chr4-55595628-T-G.
Other names: c.2106T>G, p.Leu702= (NM_001093772.2, NM_001385286.1); c.2121T>G, p.Leu707= (NM_001385284.1, NM_001385290.1); c.2118T>G, p.Leu706= (NM_001385285.1); c.2109T>G, p.Leu703= (NM_001385288.1, NM_001385292.1).
Identifiers: ClinVar variation 237254 (VCV000237254.33), dbSNP rs766840704, ClinGen allele CA2923650.

ClinVar aggregate classification (germline): Conflicting classifications of pathogenicity. Review status: criteria provided, conflicting classifications (1 of 4 stars). 7 submissions from 5 submitters: Uncertain significance (3); Benign (1); Likely benign (3). Last evaluated 2026-06-04.

Conditions:
Mastocytosis. Also called: Mast Cell Disease. Identifiers: Orphanet 98292, MedGen C0024899, MONDO:0007950, HP:0100495.
Hereditary cancer-predisposing syndrome. Also called: Tumor predisposition; Hereditary Cancer Syndrome; Neoplastic Syndromes, Hereditary; Hereditary neoplastic syndrome. Identifiers: Orphanet 140162, MedGen C0027672, MeSH D009386, MONDO:0015356.
Gastrointestinal stromal tumor. Also called: Gastrointestinal stromal tumor, somatic; Gastrointestinal stroma tumor. Identifiers: Orphanet 44890, MedGen C0238198, MeSH D046152, MONDO:0011719, OMIM 606764, HP:0100723.
Piebaldism. Also called: Piebald skin depigmentation. Identifiers: Orphanet 2884, MedGen C0080024, MONDO:0008244, OMIM 172800, HP:0007544.

Allele frequency attached by ClinVar (database versions not stated): gnomAD 0.00001; gnomAD exomes 0.00001 and 0.00002; ExAC 0.00002; TOPMed 0.00002.
gnomAD v4.1: 20 of 1,613,458 alleles (0.0012%); highest among the groups gnomAD compares: Non-Finnish European, 0.0016%; no homozygotes.

Submissions (7):

Myriad Genetics, Inc.
Classification: Benign for Gastrointestinal stromal tumor. Last evaluated: 2026-06-04. Review status: criteria provided, single submitter. Criteria: Myriad Autosomal Dominant, Autosomal Recessive and X-Linked Classification Criteria (2023). Collection method: clinical testing. Allele origin: unknown.
Comment: This variant is considered benign. This variant is a silent/synonymous amino acid change and it is not expected to impact splicing.

Labcorp Genetics (formerly Invitae), Labcorp
Classification: Likely benign for Gastrointestinal stromal tumor. Last evaluated: 2025-11-27. Review status: criteria provided, single submitter. Criteria: Invitae Variant Classification Sherloc (09022015). Collection method: clinical testing. Allele origin: germline.

CeGaT Center for Human Genetics Tuebingen
Classification: Likely benign. Last evaluated: 2025-01-01. Review status: criteria provided, single submitter. Criteria: CeGaT Center For Human Genetics Tuebingen Variant Classification Criteria Version 2. Collection method: clinical testing. Allele origin: germline. Affected: yes. Observed: 1 variant allele.
Comment: KIT: BP4, BP7

Ambry Genetics
Classification: Likely benign for Hereditary cancer-predisposing syndrome. Last evaluated: 2019-07-27. Review status: criteria provided, single submitter. Criteria: Ambry Variant Classification Scheme 2023. Collection method: clinical testing. Allele origin: germline.

Illumina Laboratory Services, Illumina
Classification: Uncertain significance for Cutaneous mastocytosis. Last evaluated: 2018-01-12. Review status: criteria provided, single submitter. Criteria: ICSL Variant Classification Criteria 13 December 2019. Collection method: clinical testing. Allele origin: germline.

Illumina Laboratory Services, Illumina
Classification: Uncertain significance for Gastrointestinal stromal tumor. Last evaluated: 2018-01-12. Review status: criteria provided, single submitter. Criteria: ICSL Variant Classification Criteria 13 December 2019. Collection method: clinical testing. Allele origin: germline.

Illumina Laboratory Services, Illumina
Classification: Uncertain significance for Piebaldism. Last evaluated: 2018-01-12. Review status: criteria provided, single submitter. Criteria: ICSL Variant Classification Criteria 13 December 2019. Collection method: clinical testing. Allele origin: germline.